The following is an entry in ClinVar:

NM_016139.4(CHCHD2):c.10G>A (p.Gly4Arg)

Genes: CHCHD2 (coiled-coil-helix-coiled-coil-helix domain containing 2; minus strand), LOC129998502 (ATAC-STARR-seq lymphoblastoid active region 26053; plus strand). Cytogenetic location: 7p11.2.
Variant type: single nucleotide variant.
Coding change: c.10G>A on transcript NM_016139.4 (MANE Select); coding-DNA position 10, G replaced by A.
Protein change: p.Gly4Arg; replaces glycine 4 with arginine.
Molecular consequence: missense variant.
Genome position (GRCh38, 1-based): chr7:56,106,404, C>T on the plus strand (G>A on the coding strand, the complement: CHCHD2 is on the minus strand). VCF-style: chr7-56106404-C-T. GRCh37 (hg19) VCF-style: chr7-56174097-C-T.
Other names: c.10G>A, p.Gly4Arg (NM_001320327.2); short protein forms G4R.
Identifiers: ClinVar variation 1432319 (VCV001432319.6), dbSNP rs778328496, ClinGen allele CA4270632.

ClinVar aggregate classification (germline): Uncertain significance (1 of 4 stars; one submission).

Allele frequency attached by ClinVar (database versions not stated): ExAC 0.00003; gnomAD exomes 0.00003 and 0.00005; TOPMed 0.00004; gnomAD 0.00005.
gnomAD v4.1: 81 of 1,613,534 alleles (0.005%); highest among the groups gnomAD compares: South Asian, 0.02%; no homozygotes.

Submission:

Labcorp Genetics (formerly Invitae), Labcorp
Classification: Uncertain significance. Last evaluated: 2022-02-28. Review status: criteria provided, single submitter. Criteria: Invitae Variant Classification Sherloc (09022015). Collection method: clinical testing. Allele origin: germline.
Comment: In summary, the available evidence is currently insufficient to determine the role of this variant in disease. Therefore, it has been classified as a Variant of Uncertain Significance. Algorithms developed to predict the effect of missense changes on protein structure and function are either unavailable or do not agree on the potential impact of this missense change (SIFT: "Tolerated"; PolyPhen-2: "Not Available"; Align-GVGD: "Class C0"). This missense change has been observed in individual(s) with lewy body dementia (PMID: 26561290). This variant is present in population databases (rs778328496, gnomAD 0.01%). This sequence change replaces glycine, which is neutral and non-polar, with arginine, which is basic and polar, at codon 4 of the CHCHD2 protein (p.Gly4Arg).

Literature cited by the submitters: PubMed 26561290.